The following is an entry in ClinVar:

NM_000053.4(ATP7B):c.3316G>A (p.Val1106Ile)

Gene: ATP7B (ATPase copper transporting beta; minus strand). Cytogenetic location: 13q14.3.
Variant type: single nucleotide variant.
Coding change: c.3316G>A on transcript NM_000053.4 (MANE Select); coding-DNA position 3316, G replaced by A.
Protein change: p.Val1106Ile; replaces valine 1106 with isoleucine.
Molecular consequence: missense variant.
Genome position (GRCh38, 1-based): chr13:51,942,482, C>T on the plus strand (G>A on the coding strand, the complement: ATP7B is on the minus strand). VCF-style: chr13-51942482-C-T. GRCh37 (hg19) VCF-style: chr13-52516618-C-T.
Other names: p.Val1106Ile; c.2695G>A, p.Val899Ile (NM_001005918.3); c.2983G>A, p.Val995Ile (NM_001243182.2); c.3082G>A, p.Val1028Ile (NM_001330578.2); c.3064G>A, p.Val1022Ile (NM_001330579.2); short protein forms V1106I, V1028I, V995I, V1022I, V899I.
Identifiers: ClinVar variation 495414 (VCV000495414.41), dbSNP rs541208827, ClinGen allele CA6988741.

ClinVar aggregate classification (germline): Conflicting classifications of pathogenicity. Review status: criteria provided, conflicting classifications (1 of 4 stars). 18 submissions from 18 submitters: Pathogenic (4); Likely pathogenic (10); Uncertain significance (3). 1 of the submissions does not count toward it. Last evaluated 2026-04-30.

Conditions:
ATP7B-related disorder. Also called: ATP7B-related condition.
Wilson disease (WND). Also called: Wilson's disease. Identifiers: Orphanet 905, MedGen C0019202, MONDO:0010200, OMIM 277900. Disease mechanism: loss of function.

Allele frequency attached by ClinVar (database versions not stated): gnomAD exomes 0.00003 and 0.00012; gnomAD 0.00005 and 0.00008; TOPMed 0.00010; ExAC 0.00013; 1000 Genomes Project 0.00040; 1000 Genomes Project 30x 0.00047.
gnomAD v4.1: 59 of 1,614,240 alleles (0.0037%); highest among the groups gnomAD compares: East Asian, 0.089%; no homozygotes.

Submissions 1 to 7 of 18:

Women's Health and Genetics/Laboratory Corporation of America, LabCorp
Classification: Pathogenic for Wilson disease. Last evaluated: 2026-04-30. Review status: criteria provided, single submitter. Criteria: LabCorp Variant Classification Summary - May 2015. Collection method: clinical testing. Allele origin: germline.
Comment: Variant summary: ATP7B c.3316G>A (p.Val1106Ile) results in a conservative amino acid change in the encoded protein sequence. Algorithms developed to predict the effect of missense changes on protein structure and function are either unavailable or do not agree on the potential impact of this missense change. The variant allele was found at a frequency of 0.00012 in 249580 control chromosomes, predominantly at a frequency of 0.0016 within the East Asian subpopulation in the gnomAD database. This frequency is not significantly higher than estimated for disease-causing variants in ATP7B, allowing no conclusion about variant significance. c.3316G>A has been observed in individual(s) affected with Wilson Disease (e.g. Yu_2017, Abuduxikuer_2014, Seo_2020, Xiao_2021). These data indicate that the variant is likely to be associated with disease. A different variant affecting the same codon has been classified as likely pathogenic/pathogenic (c.3317T>A, p.Val1106Asp) by our lab, supporting the critical relevance of codon 1106 to ATP7B protein function. A functional assay showed no significant reduction in the variant's ability to rescue the the strain lacking the yeast gene ortholog, furthermore, confocal images showed that the variant protein localized to the same trans-Golgi network in COS-7 cells as the wild-type ATP7B (Park_2007). However, another study noted that the activity of Cu-ATPase in lymphocytes from a compound heterozygous patient was decreased by ~45% (Liu_2004). The following publications have been ascertained in the context of this evaluation (PMID: 11405812, 14966923, 21796144, 22692182, 21219664, 21645214, 17587212, 24094725, 25089800, 27022412, 27398169, 24475083, 26483271, 26782526, 27982432, 28212618, 28515472, 30702195, 30884209, 29930488, 29637721, 28265897, 34324271, 32901917). ClinVar contains an entry for this variant (Variation ID: 495414). Based on the evidence outlined above, the variant was classified as pathogenic.

PreventionGenetics, part of Exact Sciences
Classification: Uncertain significance for ATP7B-related condition. Last evaluated: 2026-03-18. Review status: criteria provided, single submitter. Criteria: ACMG Guidelines, 2015. Collection method: clinical testing. Allele origin: germline.
Comment: The ATP7B c.3316G>A variant is predicted to result in the amino acid substitution p.Val1106Ile. This variant has been reported in multiple individuals with features of Wilson disease, including several individuals in which a second pathogenic variant was also identified (Liu et al. 2004. PubMed ID: 14966923; Poon et al. 2016. PubMed ID: 26483271; Huang et al. 2022. PubMed ID: 35470480, Abuduxikuer and Wang. 2014. PMID: 24475083, Tu et al. 2015. PubMed ID: 26650869, Yu et al. 2017. PubMed ID: 28212618, Seo et al. 2020. PubMed ID: 32901917). However, in several patients, another pathogenic variant was detected on the same allele (Wu et al. 2001. PubMed: 11405812, Poon et al. 2016. PubMed ID: 26483271, Li et al. 2019. PubMed ID: 30702195). Lymphocytes from an individual with chronic hepatitis, psychiatric symptoms and tremors that also carried the known pathogenic variant p.R778L showed ~45% of normal copper ATPase activity (Liu et al.2004. PubMed ID: 14966923). In vitro functional characterization suggested that this variant does not impair protein localization and copper transport function (Park et al. 2007. PubMed ID: 17587212). Alternate nucleotide changes affecting the same amino acid (p.Val1106Asp; p.Val1106Leu) have been reported in individuals with features of WD (Waldenstrom et al. 1996. PubMed ID: 8938442; Squitti et al. 2013. PubMed ID: 24253677; Couchonnal et al. 2021. PubMed ID: 34400371). The c.3316G>A variant is reported in 0.17% of alleles in individuals of East Asian descent in gnomAD. This variant has conflicting classifications listed in ClinVar ranging from uncertain to pathogenic (Variation ID: 495414). Although we suspect that this variant may be pathogenic, at this time, the clinical significance of this variant is uncertain due to the absence of conclusive functional and genetic evidence.

Labcorp Genetics (formerly Invitae), Labcorp
Classification: Pathogenic for Wilson disease. Last evaluated: 2026-01-09. Review status: criteria provided, single submitter. Criteria: Invitae Variant Classification Sherloc (09022015). Collection method: clinical testing. Allele origin: germline.
Comment: This sequence change replaces valine, which is neutral and non-polar, with isoleucine, which is neutral and non-polar, at codon 1106 of the ATP7B protein (p.Val1106Ile). This variant is present in population databases (rs541208827, gnomAD 0.2%). This missense change has been observed in individual(s) with Wilson disease (PMID: 14966923, 26483271, 28212618, 30702195). ClinVar contains an entry for this variant (Variation ID: 495414). Invitae Evidence Modeling of protein sequence and biophysical properties (such as structural, functional, and spatial information, amino acid conservation, physicochemical variation, residue mobility, and thermodynamic stability) indicates that this missense variant is not expected to disrupt ATP7B protein function with a negative predictive value of 80%. For these reasons, this variant has been classified as Pathogenic.

First Genomix Gene Laboratory, Genetic Diagnostics Department
Classification: Likely pathogenic for Wilson disease. Last evaluated: 2025-12-28. Review status: criteria provided, single submitter. Criteria: ACMG Guidelines, 2015. Collection method: clinical testing. Allele origin: germline. Inheritance: Autosomal recessive inheritance. Affected: no. Observed: 1 variant allele.

Mayo Clinic Laboratories, Mayo Clinic
Classification: Uncertain significance. Last evaluated: 2025-12-12. Review status: criteria provided, single submitter. Criteria: ACMG Guidelines, 2015. Collection method: clinical testing. Allele origin: germline. Observed: 3 variant alleles.
Comment: BS3, PP4, PM2_moderate, PM3_very_strong, PM5, PS3, PS4_moderate

Natera, Inc.
Classification: Pathogenic for Wilson disease. Last evaluated: 2025-10-27. Review status: criteria provided, single submitter. Criteria: Natera Variant Classification Schema (03/2026). Collection method: clinical testing. Allele origin: germline.
Comment: The c.3316G>A variant in ATP7B is a missense variant predicted to cause substitution of valine to isoleucine at amino acid 1106. This variant is rare in the general population with a frequency below the threshold expected for the associated phenotype(s). This variant has been observed in one or more individuals affected with the associated recessive disease, as either homozygous or compound heterozygous with a second variant (PMID: 34324271, 33879678, 26483271, 28212618). Computational prediction algorithms indicate this variant is likely to affect gene or protein function. Given the available evidence, this variant is classified as Pathogenic.

Color Diagnostics, LLC DBA Color Health
Classification: Likely pathogenic for Wilson disease. Last evaluated: 2025-06-23. Review status: criteria provided, single submitter. Criteria: ACMG Guidelines, 2015. Collection method: clinical testing. Allele origin: germline.
Comment: This missense variant replaces valine with isoleucine at codon 1106 in the N domain of the ATP7B protein (a.a. 1032 - 1196), a highly conserved region that is considered to be important for ATP7B protein function (PMID: 35245129ClinVar). Computational prediction is inconclusive regarding the impact of this variant on protein structure and function. Functional studies have shown that this variant does not impact protein localization in COS-7 cells and rescued function in ccc2 knockout yeast cells (PMID: 17587212). This variant has been reported in many individuals affected by Wilson disease (PMID: 11405812, 14966923, 21219664, 21796144, 24094725, 24475083, 25089800, 26782526, 26483271, 26650869, 27022412, 27398169, 27982432, 28212618, 28265897, 28515472, 29637721, 29930488, 30702195, 30884209, 34470610, 36872857, 37798098, 39719440), including at least two cases where this variant was confirmed to be in the compound heterozygous state with a known pathogenic variant (PMID: 24475083, 28212618). In several of these individuals, this variant was found together with two other compound heterozygous mutations (PMID: 11405812, 26483271, 27022412, 30702195, 30884209). In particular, this variant was present in multiple patients who carried pathogenic p.Asp196Glu variant and another pathogenic variant in the same gene (PMID: 11405812, 26483271, 27022412, 30702195, 30884209). Since two individuals carrying this p.Val1106Ile variant and pathogenic p.Asp196Glu variant showed normal phenotype, it is presumed that these variants occur on the same haplotype (PMID: 37031186). This variant has been identified in 36/280988 chromosomes in the general population by the Genome Aggregation Database (gnomAD). Although contradictory functional study has been reported, the observation of this variant in compound heterozygous state with another pathogenic variant in the same gene in individuals affected with Wilson disease indicates that this variant likely contributes to disease. Based on the available evidence, this variant is classified as Likely Pathogenic.